The following is an entry in ClinVar:

NM_033026.6(PCLO):c.2734A>T (p.Ile912Phe)

Gene: PCLO (piccolo presynaptic cytomatrix protein; minus strand). Cytogenetic location: 7q21.11.
Variant type: single nucleotide variant.
Coding change: c.2734A>T on transcript NM_033026.6 (MANE Select); coding-DNA position 2734, A replaced by T.
Protein change: p.Ile912Phe; replaces isoleucine 912 with phenylalanine.
Molecular consequence: missense variant.
Genome position (GRCh38, 1-based): chr7:83,134,816, T>A on the plus strand (A>T on the coding strand, the complement: PCLO is on the minus strand). VCF-style: chr7-83134816-T-A. GRCh37 (hg19) VCF-style: chr7-82764132-T-A.
Other names: c.2734A>T, p.Ile912Phe (NM_014510.3); short protein forms I912F.
Identifiers: ClinVar variation 1364361 (VCV001364361.5), dbSNP rs779018397, ClinGen allele CA4321207.

ClinVar aggregate classification (germline): Uncertain significance (1 of 4 stars; one submission).

Allele frequency attached by ClinVar (database versions not stated): gnomAD exomes below 0.00001; gnomAD 0.00001; TOPMed 0.00001.
gnomAD v4.1: 4 of 1,613,606 alleles (0.00025%); highest among the groups gnomAD compares: Non-Finnish European, 0.00034%; no homozygotes.

Submission:

Labcorp Genetics (formerly Invitae), Labcorp
Classification: Uncertain significance. Last evaluated: 2021-11-18. Review status: criteria provided, single submitter. Criteria: Invitae Variant Classification Sherloc (09022015). Collection method: clinical testing. Allele origin: germline.
Comment: Algorithms developed to predict the effect of missense changes on protein structure and function are either unavailable or do not agree on the potential impact of this missense change (SIFT: "Tolerated"; PolyPhen-2: "Not Available"; Align-GVGD: "Class C0"). In summary, the available evidence is currently insufficient to determine the role of this variant in disease. Therefore, it has been classified as a Variant of Uncertain Significance. This sequence change replaces isoleucine, which is neutral and non-polar, with phenylalanine, which is neutral and non-polar, at codon 912 of the PCLO protein (p.Ile912Phe). This variant is present in population databases (rs779018397, gnomAD 0.0009%). This variant has not been reported in the literature in individuals affected with PCLO-related conditions.